The following is an entry in ClinVar:

NM_001126108.2(SLC12A3):c.1516G>A (p.Val506Met)

Gene: SLC12A3 (solute carrier family 12 member 3; plus strand). Cytogenetic location: 16q13.
Variant type: single nucleotide variant.
Coding change: c.1516G>A on transcript NM_001126108.2 (MANE Select); coding-DNA position 1516, G replaced by A.
Protein change: p.Val506Met; replaces valine 506 with methionine.
Molecular consequence: missense variant.
Genome position (GRCh38, 1-based): chr16:56,880,202, G>A. VCF-style: chr16-56880202-G-A. GRCh37 (hg19) VCF-style: chr16-56914114-G-A.
Other names: c.1516G>A, p.Val506Met (NM_000339.3); c.1513G>A, p.Val505Met (NM_001126107.2, NM_001410896.1); short protein forms V505M, V506M.
Identifiers: ClinVar variation 4538293 (VCV004538293.1).

ClinVar aggregate classification (germline): Uncertain significance (1 of 4 stars; one submission).

gnomAD v4.1: 3 of 1,596,664 alleles (0.00019%); highest among the groups gnomAD compares: East Asian, 0.0023%; no homozygotes.

Submission:

Greenwood Genetic Center Diagnostic Laboratories, Greenwood Genetic Center
Classification: Uncertain significance. Last evaluated: 2025-06-09. Review status: criteria provided, single submitter. Criteria: ACMG Guidelines, 2015. Collection method: clinical testing. Allele origin: germline. Affected: yes.
Comment: PM2, BP4